The following is an entry in ClinVar:

ClinVar aggregate classification (germline): Uncertain significance (1 of 4 stars; one submission).

Submission:

GeneDx
Classification: Uncertain significance. Last evaluated: 2024-05-28. Review status: criteria provided, single submitter. Criteria: GeneDx Variant Classification Process June 2021. Collection method: clinical testing. Allele origin: germline. Affected: yes.
Comment: Not observed at significant frequency in large population cohorts (gnomAD); In silico analysis supports that this missense variant has a deleterious effect on protein structure/function; Has not been previously published as pathogenic or benign to our knowledge

NM_001374353.1(GLI2):c.2515G>A (p.Asp839Asn)

Gene: GLI2 (GLI family zinc finger 2; plus strand). Cytogenetic location: 2q14.2.
Variant type: single nucleotide variant.
Coding change: c.2515G>A on transcript NM_001374353.1 (MANE Select); coding-DNA position 2515, G replaced by A.
Protein change: p.Asp839Asn; replaces aspartic acid 839 with asparagine.
Molecular consequence: missense variant.
Genome position (GRCh38, 1-based): chr2:120,988,480, G>A. VCF-style: chr2-120988480-G-A. GRCh37 (hg19) VCF-style: chr2-121746056-G-A.
Other names: c.2566G>A, p.Asp856Asn (NM_001371271.1, NM_005270.5); c.2140G>A, p.Asp714Asn (NM_001374354.1); short protein forms D714N, D839N, D856N.
Identifiers: ClinVar variation 3383633 (VCV003383633.1).